The following is an entry in ClinVar:

ClinVar aggregate classification (germline): Uncertain significance (1 of 4 stars; one submission).

Conditions:
Bardet-Biedl syndrome (BBS). Identifiers: Orphanet 110, MedGen C0752166, MONDO:0015229.

Submission:

Labcorp Genetics (formerly Invitae), Labcorp
Classification: Uncertain significance for Bardet-Biedl syndrome. Last evaluated: 2022-03-18. Review status: criteria provided, single submitter. Criteria: Invitae Variant Classification Sherloc (09022015). Collection method: clinical testing. Allele origin: germline.
Comment: In summary, the available evidence is currently insufficient to determine the role of this variant in disease. Therefore, it has been classified as a Variant of Uncertain Significance. Algorithms developed to predict the effect of missense changes on protein structure and function (SIFT, PolyPhen-2, Align-GVGD) all suggest that this variant is likely to be tolerated. This variant has not been reported in the literature in individuals affected with TRIM32-related conditions. This variant is not present in population databases (gnomAD no frequency). This sequence change replaces glutamine, which is neutral and polar, with glutamic acid, which is acidic and polar, at codon 439 of the TRIM32 protein (p.Gln439Glu).

NM_012210.4(TRIM32):c.1315C>G (p.Gln439Glu)

Genes: ASTN2 (astrotactin 2; minus strand), TRIM32 (tripartite motif containing 32; plus strand). Cytogenetic location: 9q33.1.
Variant type: single nucleotide variant.
Coding change: c.1315C>G on transcript NM_012210.4 (MANE Select); coding-DNA position 1315, C replaced by G.
Protein change: p.Gln439Glu; replaces glutamine 439 with glutamic acid.
Molecular consequence: missense variant. On other transcripts: intron variant (3).
Genome position (GRCh38, 1-based): chr9:116,699,057, C>G. VCF-style: chr9-116699057-C-G. GRCh37 (hg19) VCF-style: chr9-119461336-C-G.
Other names: c.2794+26714G>C (NM_001365069.1); c.2806+26714G>C (NM_001365068.1); c.1315C>G, p.Gln439Glu (NM_001099679.2, NM_001379048.1, NM_001379049.1 and 1 more transcripts); c.2653+26714G>C (NM_014010.5); short protein forms Q439E.
Identifiers: ClinVar variation 1496382 (VCV001496382.8), dbSNP rs2132074558, ClinGen allele CA374651416.